The following is an entry in ClinVar:

NM_000179.3(MSH6):c.894A>C (p.Arg298=)

Gene: MSH6 (mutS homolog 6; plus strand). Cytogenetic location: 2p16.3.
Variant type: single nucleotide variant.
Coding change: c.894A>C on transcript NM_000179.3 (MANE Select); coding-DNA position 894, A replaced by C.
Protein change: p.Arg298=; no amino-acid change (arginine 298 retained).
Molecular consequence: synonymous variant. On other transcripts: 5 prime UTR variant (9), non-coding transcript variant (4), intron variant (1).
Genome position (GRCh38, 1-based): chr2:47,798,877, A>C. VCF-style: chr2-47798877-A-C. GRCh37 (hg19) VCF-style: chr2-48026016-A-C.
Other names: c.504A>C, p.Arg168= (NM_001281492.2); c.-13A>C (NM_001281493.2, NM_001281494.2, NM_001406811.1 and 6 more transcripts); c.990A>C, p.Arg330= (NM_001406795.1, NM_001406802.1); c.894A>C, p.Arg298= (NM_001406796.1, NM_001406798.1, NM_001406800.1 and 4 more transcripts); c.597A>C, p.Arg199= (NM_001406797.1, NM_001406801.1, NM_001406805.1 and 10 more transcripts); c.369A>C, p.Arg123= (NM_001406799.1, NM_001406806.1, NM_001406807.1); c.816A>C, p.Arg272= (NM_001406804.1); c.900A>C, p.Arg300= (NM_001406813.1); and 2 more.
Identifiers: ClinVar variation 3903678 (VCV003903678.1).

ClinVar aggregate classification (germline): Benign (1 of 4 stars; one submission).

Conditions:
Lynch syndrome 5 (LYNCH5). Also called: Colorectal cancer, hereditary nonpolyposis, type 5; Hereditary non-polyposis colorectal cancer, type 5. Identifiers: Orphanet 144, MedGen C1833477, MONDO:0013710, OMIM 614350. Disease mechanism: loss of function.

Submission:

Myriad Genetics, Inc.
Classification: Benign for Lynch syndrome 5. Last evaluated: 2024-12-20. Review status: criteria provided, single submitter. Criteria: Myriad Autosomal Dominant, Autosomal Recessive and X-Linked Classification Criteria (2023). Collection method: clinical testing. Allele origin: unknown.
Comment: This variant is considered benign. This variant is a silent/synonymous amino acid change and it is not expected to impact splicing.